The following is an entry in ClinVar:

NM_014714.4(IFT140):c.2T>C (p.Met1Thr)

Genes: IFT140 (intraflagellar transport 140; minus strand), LOC105371046 (uncharacterized LOC105371046; plus strand). Cytogenetic location: 16p13.3.
Variant type: single nucleotide variant.
Coding change: c.2T>C on transcript NM_014714.4 (MANE Select); coding-DNA position 2, T replaced by C.
Protein change: p.Met1Thr; changes the start codon (methionine 1).
Molecular consequence: missense variant, initiator codon variant.
Genome position (GRCh38, 1-based): chr16:1,607,265, A>G on the plus strand (T>C on the coding strand, the complement: IFT140 is on the minus strand). VCF-style: chr16-1607265-A-G. GRCh37 (hg19) VCF-style: chr16-1657266-A-G.
Other names: short protein forms M1T.
Identifiers: ClinVar variation 2890542 (VCV002890542.3), dbSNP rs1229896671, ClinGen allele CA394194895.
Genomic context (GRCh38, chr16:1,607,265, plus strand): 5'-ATAAATGAGGGTGACCCTGCTGCATCCGGGGCTTCTATCTGGTGGTCATAATAGAGGGCC[A>G]TGACGGAACTCAGGCCTCCTCAGCGCTGAAACCTGCAGGGAAAAAAAAATGACCAAGTCC-3'
Protein context (NP_055529.2, residues 1-11): [Met1Thr]ALYYDHQIEA

ClinVar aggregate classification (germline): Pathogenic (1 of 4 stars; one submission).

Conditions:
Saldino-Mainzer syndrome (SRTD9). Also called: CONORENAL SYNDROME; Renal dysplasia, retinal pigmentary dystrophy, cerebellar ataxia and skeletal dysplasia; SHORT-RIB THORACIC DYSPLASIA 9 WITHOUT POLYDACTYLY; short-rib thoracic dysplasia 9 with or without polydactyly. Identifiers: Orphanet 140969, MedGen C1849437, MONDO:0009964, OMIM 266920.

Submission:

Labcorp Genetics (formerly Invitae), Labcorp
Classification: Pathogenic for Saldino-Mainzer syndrome. Last evaluated: 2025-04-17. Review status: criteria provided, single submitter. Criteria: Invitae Variant Classification Sherloc (09022015). Collection method: clinical testing. Allele origin: germline.
Comment: This sequence change affects the initiator methionine of the IFT140 mRNA. The next in-frame methionine is located at codon 98. This variant is not present in population databases (gnomAD no frequency). This variant has not been reported in the literature in individuals affected with IFT140-related conditions. ClinVar contains an entry for this variant (Variation ID: 2890542). This variant disrupts a region of the IFT140 protein in which other variant(s) (p.Pro71Leu) have been determined to be pathogenic (PMID: 26216056; internal data). This suggests that this is a clinically significant region of the protein, and that variants that disrupt it are likely to be disease-causing. For these reasons, this variant has been classified as Pathogenic.

Literature cited by the submitters: PubMed 26216056.